The following is an entry in ClinVar:

ClinVar aggregate classification (germline): Conflicting classifications of pathogenicity. Review status: criteria provided, conflicting classifications (1 of 4 stars). 7 submissions from 7 submitters: Pathogenic (2); Likely pathogenic (2); Uncertain significance (1). 2 of the submissions do not count toward it. Last evaluated 2026-07-10.

Conditions:
Cholestanol storage disease (CTX). Also called: CEREBRAL CHOLESTERINOSIS; CTX: Cerebrotendinous xanthomatosis; Cerebrotendinous Xanthomatosis. Identifiers: Orphanet 909, MedGen C0238052, MONDO:0008948, OMIM 213700.

Allele frequency attached by ClinVar (database versions not stated): gnomAD exomes below 0.00001.
gnomAD v4.1: 4 of 1,613,288 alleles (0.00025%); highest among the groups gnomAD compares: Non-Finnish European, 0.00034%; no homozygotes.

Submissions (7):

Myriad Genetics, Inc.
Classification: Likely pathogenic for Cholestanol storage disease. Last evaluated: 2026-07-10. Review status: criteria provided, single submitter. Criteria: Myriad Autosomal Dominant, Autosomal Recessive and X-Linked Classification Criteria (2023). Collection method: clinical testing. Allele origin: unknown.
Comment: NM_000784.3(CYP27A1):c.433G>A(G145R) is a missense variant classified as likely pathogenic in the context of cerebrotendinous xanthomatosis. G145R has been observed in cases with relevant disease (PMID: 20402754, 39825153). Relevant functional assessments of this variant are not available in the literature. Internal structural analysis of the variant is supportive of pathogenicity. G145R has not been observed in referenced population frequency databases. In summary, NM_000784.3(CYP27A1):c.433G>A(G145R) is a missense variant that has internal structural support for pathogenicity and has been observed more frequently in cases with the relevant disease than in healthy populations. Please note: this variant was assessed in the context of healthy population screening.

Labcorp Genetics (formerly Invitae), Labcorp
Classification: Pathogenic for Cholestanol storage disease. Last evaluated: 2025-11-18. Review status: criteria provided, single submitter. Criteria: Invitae Variant Classification Sherloc (09022015). Collection method: clinical testing. Allele origin: germline.
Comment: This sequence change replaces glycine, which is neutral and non-polar, with arginine, which is basic and polar, at codon 145 of the CYP27A1 protein (p.Gly145Arg). This variant is not present in population databases (gnomAD no frequency). This missense change has been observed in individual(s) with cerebrotendinous xanthomatosis (PMID: 20402754; internal data). In at least one individual the data is consistent with being in trans (on the opposite chromosome) from a pathogenic variant. ClinVar contains an entry for this variant (Variation ID: 65868). Invitae Evidence Modeling of protein sequence and biophysical properties (such as structural, functional, and spatial information, amino acid conservation, physicochemical variation, residue mobility, and thermodynamic stability) indicates that this missense variant is expected to disrupt CYP27A1 protein function with a positive predictive value of 95%. This variant disrupts the Gly145 amino acid residue in CYP27A1. Other variant(s) that disrupt this residue have been determined to be pathogenic (internal data). This suggests that this residue is clinically significant, and that variants that disrupt this residue are likely to be disease-causing. For these reasons, this variant has been classified as Pathogenic.

Women's Health and Genetics/Laboratory Corporation of America, LabCorp
Classification: Uncertain significance. Last evaluated: 2025-04-17. Review status: criteria provided, single submitter. Criteria: LabCorp Variant Classification Summary - May 2015. Collection method: clinical testing. Allele origin: germline.
Comment: Variant summary: CYP27A1 c.433G>A (p.Gly145Arg) results in a non-conservative amino acid change in the encoded protein sequence. Five of five in-silico tools predict a damaging effect of the variant on protein function. The variant was absent in 250728 control chromosomes (gnomAD). c.433G>A has been observed in individuals affected with Cerebrotendinous Xanthomatosis (Gallus_2010, Badura-Stronka_2021, Invitae). These data indicate that the variant may be associated with disease. To our knowledge, no experimental evidence demonstrating an impact on protein function has been reported. The following publications have been ascertained in the context of this evaluation (PMID: 34689324, 20402754, 32344004). ClinVar contains an entry for this variant (Variation ID: 65868). Based on the evidence outlined above, the variant was classified as VUS-possibly pathogenic.

Baylor Genetics
Classification: Likely pathogenic for Cholestanol storage disease. Last evaluated: 2024-02-15. Review status: criteria provided, single submitter. Criteria: ACMG Guidelines, 2015. Collection method: clinical testing. Allele origin: unknown.

CeGaT Center for Human Genetics Tuebingen
Classification: Pathogenic. Last evaluated: 2018-01-01. Review status: criteria provided, single submitter. Criteria: CeGaT Center For Human Genetics Tuebingen Variant Classification Criteria Version 2. Collection method: clinical testing. Allele origin: germline. Affected: yes. Observed: 1 variant allele.

Solve-RD Consortium
Classification: Likely pathogenic for Cholestanol storage disease. Last evaluated: 2022-06-01. Review status: no assertion criteria provided. Collection method: provider interpretation. Allele origin: inherited. Affected: yes. Not counted in ClinVar's aggregate classification.
Comment: Variant confirmed as disease-causing by referring clinical team

Variant identified during reanalysis of unsolved cases by the Solve-RD project. The Solve-RD project has received funding from the European Union’s Horizon 2020 research and innovation programme under grant agreement No 779257.

GeneReviews
Classification: Pathogenic for Cerebrotendinous Xanthomatosis. Last evaluated: 2013-08-01. Review status: no assertion criteria provided. Collection method: curation. Allele origin: unknown. Not counted in ClinVar's aggregate classification.
ClinVar note: Converted during submission from pathologic to Pathogenic.

Literature cited by the submitters: PubMed 20402754 (cited by 3 submitters); PubMed 39825153 (cited by Myriad Genetics, Inc. and Solve-RD Consortium); PubMed 34689324 (cited by Women's Health and Genetics/Laboratory Corporation of America, LabCorp); PubMed 32344004 (cited by Women's Health and Genetics/Laboratory Corporation of America, LabCorp).

NM_000784.4(CYP27A1):c.433G>A (p.Gly145Arg)

Gene: CYP27A1 (cytochrome P450 family 27 subfamily A member 1; plus strand). Cytogenetic location: 2q35.
Variant type: single nucleotide variant.
Coding change: c.433G>A on transcript NM_000784.4 (MANE Select); coding-DNA position 433, G replaced by A.
Protein change: p.Gly145Arg; replaces glycine 145 with arginine.
Molecular consequence: missense variant.
Genome position (GRCh38, 1-based): chr2:218,809,754, G>A. VCF-style: chr2-218809754-G-A. GRCh37 (hg19) VCF-style: chr2-219674477-G-A.
Other names: c.433G>A; short protein forms G145R.
Identifiers: ClinVar variation 65868 (VCV000065868.52), dbSNP rs587778795, ClinGen allele CA345199.